The following is an entry in ClinVar:

NM_004836.7(EIF2AK3):c.1483C>A (p.Gln495Lys)

Gene: EIF2AK3 (eukaryotic translation initiation factor 2 alpha kinase 3; minus strand). Cytogenetic location: 2p11.2.
Variant type: single nucleotide variant.
Coding change: c.1483C>A on transcript NM_004836.7 (MANE Select); coding-DNA position 1483, C replaced by A.
Protein change: p.Gln495Lys; replaces glutamine 495 with lysine.
Molecular consequence: missense variant.
Genome position (GRCh38, 1-based): chr2:88,586,008, G>T on the plus strand (C>A on the coding strand, the complement: EIF2AK3 is on the minus strand). VCF-style: chr2-88586008-G-T. GRCh37 (hg19) VCF-style: chr2-88885526-G-T.
Other names: c.1030C>A, p.Gln344Lys (NM_001313915.2); short protein forms Q495K, Q344K.
Identifiers: ClinVar variation 1423904 (VCV001423904.5), dbSNP rs765173142, ClinGen allele CA1754683.
Genomic context (GRCh38, chr2:88,586,008, plus strand): 5'-GATCCTTTTTGCGGATATTCTTGTTGTAATGTGGGTTGTCGAGGAATCTGACTGTAATCT[G>T]TGTGCTTCGTTTGTTCCTCTCCCTCTTGTAGTATGGTAGATAATAACCATTATCTTCAAA-3'
Protein context (NP_004827.4, residues 485-505): YKRERNKRST[Gln495Lys]ITVRFLDNPH

ClinVar aggregate classification (germline): Uncertain significance. Review status: criteria provided, multiple submitters, no conflicts (2 of 4 stars). 2 submissions from 2 submitters: Uncertain significance (2). Last evaluated 2024-10-24.

Conditions:
Wolcott-Rallison dysplasia. Also called: MED-IDDM SYNDROME; Wolcott-Rallison syndrome. Identifiers: Orphanet 1667, MedGen C0432217, MONDO:0009192, OMIM 226980.

Allele frequency attached by ClinVar (database versions not stated): ExAC 0.00002; gnomAD 0.00002; gnomAD exomes 0.00002; TOPMed 0.00002.
gnomAD v4.1: 11 of 1,613,984 alleles (0.00068%); highest among the groups gnomAD compares: East Asian, 0.0022%; no homozygotes.

Submissions (2):

Labcorp Genetics (formerly Invitae), Labcorp
Classification: Uncertain significance. Last evaluated: 2024-10-24. Review status: criteria provided, single submitter. Criteria: Invitae Variant Classification Sherloc (09022015). Collection method: clinical testing. Allele origin: germline.
Comment: This sequence change replaces glutamine, which is neutral and polar, with lysine, which is basic and polar, at codon 495 of the EIF2AK3 protein (p.Gln495Lys). This variant is present in population databases (rs765173142, gnomAD 0.004%). This variant has not been reported in the literature in individuals affected with EIF2AK3-related conditions. ClinVar contains an entry for this variant (Variation ID: 1423904). An algorithm developed to predict the effect of missense changes on protein structure and function (PolyPhen-2) suggests that this variant¬†is likely to be tolerated. In summary, the available evidence is currently insufficient to determine the role of this variant in disease. Therefore, it has been classified as a Variant of Uncertain Significance.

Fulgent Genetics
Classification: Uncertain significance for Wolcott-Rallison dysplasia. Last evaluated: 2024-05-24. Review status: criteria provided, single submitter. Criteria: ACMG Guidelines, 2015. Collection method: clinical testing. Allele origin: germline.